The following is an entry in ClinVar:

ClinVar aggregate classification (germline): Uncertain significance (1 of 4 stars; one submission).

Submission:

Institute for Human Genetics, University Hospital Essen
Classification: Uncertain significance. Last evaluated: 2025-11-27. Review status: criteria provided, single submitter. Criteria: Submitter's publication. Collection method: clinical testing. Allele origin: germline. Inheritance: Autosomal unknown. Affected: yes. Observed: 1 variant allele, 1 compound heterozygote.
Comment: PM1_supp, PM2_supp (criteria rationale detailed in Leitão et al. Nature Genetics 2026)

NR_199791.1(RNU2-2):n.143C>G

Genes: RNU2-2 (RNA, U2 small nuclear 2; minus strand), WDR74 (WD repeat domain 74; minus strand). Cytogenetic location: 11q12.3.
Variant type: single nucleotide variant.
Molecular consequence: non-coding transcript variant (on NR_199791.1). On other transcripts: 5 prime UTR variant (1).
Genome position: GRCh38 VCF-style: chr11-62841667-G-C. GRCh37 (hg19) VCF-style: chr11-62609139-G-C.
Other names: c.-396C>G (NM_001369451.1).
Identifiers: ClinVar variation 4540524 (VCV004540524.1).
Genomic context (GRCh38, chr11:62,841,667, plus strand): 5'-CTCTCCCCGAAGGGAGAGTGCACCGTTCCTGGAAGTACTGCAATACCAGGTCGATGCGTG[G>C]AGTGGACGGAGCAAGCTCCTATTCCATCTCCTATTTCCAAAAATCCATTTAATATATTGT-3'